The following is an entry in ClinVar:

NM_004304.5(ALK):c.4473G>A (p.Lys1491=)

Gene: ALK (ALK receptor tyrosine kinase; minus strand). Cytogenetic location: 2p23.2.
Variant type: single nucleotide variant.
Coding change: c.4473G>A on transcript NM_004304.5 (MANE Select); coding-DNA position 4473, G replaced by A.
Protein change: p.Lys1491=; no amino-acid change (lysine 1491 retained).
Molecular consequence: synonymous variant.
Genome position (GRCh38, 1-based): chr2:29,193,614, C>T on the plus strand (G>A on the coding strand, the complement: ALK is on the minus strand). VCF-style: chr2-29193614-C-T. GRCh37 (hg19) VCF-style: chr2-29416480-C-T.
Other names: p.Lys1491=; c.1269G>A, p.Lys423= (NM_001353765.2).
Identifiers: ClinVar variation 412914 (VCV000412914.45), dbSNP rs148987382, ClinGen allele CA1593563.
Genomic context (GRCh38, chr2:29,193,614, plus strand): 5'-AAACCAGGAGCCGTACGTTGGGTTCCACAAGCTGGTGGGCTTGTTTCTGGATCCGTGGAC[C>T]TTGTGCAACTCCGAAGGAGGGTTGGACTGAGAGAATGCCATATTCACGTGTCCCCCTTCC-3'
Protein context (NP_004295.2, residues 1481-1501): SQSNPPSELH[Lys1491=]VHGSRNKPTS

ClinVar aggregate classification (germline): Benign/Likely benign. Review status: criteria provided, multiple submitters, no conflicts (2 of 4 stars). 8 submissions from 8 submitters: Benign (3); Likely benign (5). Last evaluated 2025-12-31.

Conditions:
Hereditary cancer-predisposing syndrome. Also called: Tumor predisposition; Hereditary neoplastic syndrome; Hereditary Cancer Syndrome; Neoplastic Syndromes, Hereditary. Identifiers: Orphanet 140162, MedGen C0027672, MeSH D009386, MONDO:0015356.
Neuroblastoma, susceptibility to, 3. Also called: ALK-Related Neuroblastic Tumor Susceptibility. Identifiers: Orphanet 635, MedGen C2751681, MONDO:0013083, OMIM 613014.

Allele frequency attached by ClinVar (database versions not stated): gnomAD 0.00007 and 0.00011; TOPMed 0.00007; ESP Exome Variant Server 0.00008; gnomAD exomes 0.00014 and 0.00026; ExAC 0.00022.
gnomAD v4.1: 224 of 1,614,116 alleles (0.014%); highest among the groups gnomAD compares: South Asian, 0.19%; no homozygotes.

Submissions (8):

Labcorp Genetics (formerly Invitae), Labcorp
Classification: Benign for Neuroblastoma, susceptibility to, 3. Last evaluated: 2025-12-31. Review status: criteria provided, single submitter. Criteria: Invitae Variant Classification Sherloc (09022015). Collection method: clinical testing. Allele origin: germline.

Mayo Clinic Laboratories, Mayo Clinic
Classification: Likely benign. Last evaluated: 2025-12-11. Review status: criteria provided, single submitter. Criteria: ACMG Guidelines, 2015. Collection method: clinical testing. Allele origin: germline. Observed: 1 variant allele.
Comment: BP4, BP7

Blueprint Genetics
Classification: Likely benign. Last evaluated: 2024-09-19. Review status: criteria provided, single submitter. Criteria: ACMG Guidelines, 2015. Collection method: clinical testing. Allele origin: germline.

KCCC/NGS Laboratory, Kuwait Cancer Control Center
Classification: Benign for Neuroblastoma, susceptibility to, 3. Last evaluated: 2023-07-07. Review status: criteria provided, single submitter. Criteria: ACMG Guidelines, 2015. Collection method: clinical testing. Allele origin: germline. Affected: yes.

CeGaT Center for Human Genetics Tuebingen
Classification: Likely benign. Last evaluated: 2023-07-01. Review status: criteria provided, single submitter. Criteria: CeGaT Center For Human Genetics Tuebingen Variant Classification Criteria Version 2. Collection method: clinical testing. Allele origin: germline. Affected: yes. Observed: 3 variant alleles.
Comment: ALK: BP4, BP7

Ambry Genetics
Classification: Likely benign for Hereditary cancer-predisposing syndrome. Last evaluated: 2022-02-15. Review status: criteria provided, single submitter. Criteria: Ambry Variant Classification Scheme 2023. Collection method: clinical testing. Allele origin: germline.

Sema4
Classification: Benign for Hereditary cancer-predisposing syndrome. Last evaluated: 2021-01-04. Review status: criteria provided, single submitter. Criteria: Sema4 Curation Guidelines. Collection method: curation. Allele origin: germline.

Illumina Laboratory Services, Illumina
Classification: Likely benign for Neuroblastoma, susceptibility to, 3. Last evaluated: 2018-01-12. Review status: criteria provided, single submitter. Criteria: ICSL Variant Classification Criteria 13 December 2019. Collection method: clinical testing. Allele origin: germline.
Comment: This variant was observed in the ICSL laboratory as part of a predisposition screen in an ostensibly healthy population. It had not been previously curated by ICSL or reported in the Human Gene Mutation Database (HGMD: prior to June 1st, 2018), and was therefore a candidate for classification through an automated scoring system. Utilizing variant allele frequency, disease prevalence and penetrance estimates, and inheritance mode, an automated score was calculated to assess if this variant is too frequent to cause the disease. Based on the score and internal cut-off values, a variant classified as likely benign is not then subjected to further curation. The score for this variant resulted in a classification of likely benign for this disease.